The following is an entry in ClinVar:

ClinVar aggregate classification (germline): Uncertain significance (1 of 4 stars; one submission).

Conditions:
Inborn genetic diseases. Identifiers: MedGen C0950123, MeSH D030342.

gnomAD v4.1: 11 of 1,614,062 alleles (0.00068%); highest among the groups gnomAD compares: Non-Finnish European, 0.00093%; no homozygotes.

Submission:

Ambry Genetics
Classification: Uncertain significance for Inborn genetic diseases. Last evaluated: 2025-06-25. Review status: criteria provided, single submitter. Criteria: Ambry Variant Classification Scheme 2023. Collection method: clinical testing. Allele origin: germline.
Comment: The p.D235N variant (also known as c.703G>A), located in coding exon 7 of the USB1 gene, results from a G to A substitution at nucleotide position 703. The aspartic acid at codon 235 is replaced by asparagine, an amino acid with highly similar properties. This amino acid position is conserved. In addition, this alteration is predicted to be tolerated by in silico analysis. Based on the available evidence, the clinical significance of this variant remains unclear.

NM_024598.4(USB1):c.703G>A (p.Asp235Asn)

Gene: USB1 (U6 snRNA biogenesis phosphodiesterase 1; plus strand). Cytogenetic location: 16q21.
Variant type: single nucleotide variant.
Coding change: c.703G>A on transcript NM_024598.4 (MANE Select); coding-DNA position 703, G replaced by A.
Protein change: p.Asp235Asn; replaces aspartic acid 235 with asparagine.
Molecular consequence: missense variant.
Genome position (GRCh38, 1-based): chr16:58,020,150, G>A. VCF-style: chr16-58020150-G-A. GRCh37 (hg19) VCF-style: chr16-58054054-G-A.
Other names: c.649G>A, p.Asp217Asn (NM_001195302.2); c.550G>A, p.Asp184Asn (NM_001330568.2); short protein forms D184N, D217N, D235N.
Identifiers: ClinVar variation 4196793 (VCV004196793.1).